The following is an entry in ClinVar:

GRCh37/hg19 18q21.2(chr18:52023322-53332606)x1

Genes: CCDC68 (coiled-coil domain containing 68; minus strand), DYNAP (dynactin associated protein; plus strand), RAB27B (RAB27B, member RAS oncogene family; plus strand), TCF4 (transcription factor 4; minus strand). Cytogenetic location: 18q21.2.
Variant type: copy number loss.
Change: copy number 1 (one copy instead of two) of chr18:52,023,322-53,332,606 (1.31 Mb, GRCh37 coordinates, 1-based), cytogenetic band 18q21.2.
Identifiers: ClinVar variation 1806473 (VCV001806473.3).

ClinVar aggregate classification (germline): Pathogenic (0 of 4 stars; one submission).

Conditions:
Pitt-Hopkins syndrome (PTHS). Also called: MENTAL RETARDATION, SYNDROMAL, WITH INTERMITTENT HYPERVENTILATION; ENCEPHALOPATHY, SEVERE EPILEPTIC, WITH AUTONOMIC DYSFUNCTION. Identifiers: Orphanet 2896, MedGen C1970431, MONDO:0012589, OMIM 610954.

Submission:

Department Of Genetics, Lifeline Super Speciality Hospital, Adoor.
Classification: Pathogenic for Pitt-Hopkins syndrome. Last evaluated: 2022-12-16. Review status: no assertion criteria provided. Collection method: clinical testing. Allele origin: de novo. Inheritance: Autosomal dominant inheritance. Affected: yes. Observed: 1 heterozygote.
Comment: The 1.3Mb interstitial copy number loss of chromosome 18q21.2 was identified by NGS. B/L brachydactyly with finger tip pads, B/L clinodactyly,B/L flat foot and waddling gait.